The following is an entry in ClinVar:

ClinVar aggregate classification (germline): Benign. Review status: criteria provided, single submitter (1 of 4 stars). 2 submissions from 2 submitters: Benign (1). 1 of the submissions does not count toward it. Last evaluated 2025-10-02.

Conditions:
FLAD1-related disorder. Also called: FLAD1-related condition.

Allele frequency attached by ClinVar (database versions not stated): TOPMed 0.00009; ExAC 0.00019; gnomAD 0.00019; gnomAD exomes 0.00019; 1000 Genomes Project 0.00020; 1000 Genomes Project 30x 0.00031.
gnomAD v4.1: 52 of 1,614,148 alleles (0.0032%); highest among the groups gnomAD compares: East Asian, 0.11%; no homozygotes.

Submissions (2):

Labcorp Genetics (formerly Invitae), Labcorp
Classification: Benign. Last evaluated: 2025-10-02. Review status: criteria provided, single submitter. Criteria: Invitae Variant Classification Sherloc (09022015). Collection method: clinical testing. Allele origin: germline.

PreventionGenetics, part of Exact Sciences
Classification: Likely benign for FLAD1-related condition. Last evaluated: 2019-09-10. Review status: no assertion criteria provided. Collection method: clinical testing. Allele origin: germline. Not counted in ClinVar's aggregate classification.
Comment: This variant is classified as likely benign based on ACMG/AMP sequence variant interpretation guidelines (Richards et al. 2015 PMID: 25741868, with internal and published modifications).

NM_025207.5(FLAD1):c.1575C>A (p.Ile525=)

Gene: FLAD1 (flavin adenine dinucleotide synthetase 1; plus strand). Cytogenetic location: 1q21.3.
Variant type: single nucleotide variant.
Coding change: c.1575C>A on transcript NM_025207.5 (MANE Select); coding-DNA position 1575, C replaced by A.
Protein change: p.Ile525=; no amino-acid change (isoleucine 525 retained).
Molecular consequence: synonymous variant.
Genome position (GRCh38, 1-based): chr1:154,992,733, C>A. VCF-style: chr1-154992733-C-A. GRCh37 (hg19) VCF-style: chr1-154965209-C-A.
Other names: c.1284C>A, p.Ile428= (NM_001184891.2, NM_201398.3).
Identifiers: ClinVar variation 759636 (VCV000759636.10), dbSNP rs199742528, ClinGen allele CA1134627.